The following is an entry in ClinVar:

NM_003380.5(VIM):c.749A>G (p.Gln250Arg)

Gene: VIM (vimentin; plus strand). Cytogenetic location: 10p13.
Variant type: single nucleotide variant.
Coding change: c.749A>G on transcript NM_003380.5 (MANE Select); coding-DNA position 749, A replaced by G.
Protein change: p.Gln250Arg; replaces glutamine 250 with arginine.
Molecular consequence: missense variant.
Genome position (GRCh38, 1-based): chr10:17,233,798, A>G. VCF-style: chr10-17233798-A-G. GRCh37 (hg19) VCF-style: chr10-17275797-A-G.
Other names: short protein forms Q250R.
Identifiers: ClinVar variation 772056 (VCV000772056.10), dbSNP rs145152785, ClinGen allele CA5426556.

ClinVar aggregate classification (germline): Likely benign. Review status: criteria provided, single submitter (1 of 4 stars). 2 submissions from 2 submitters: Likely benign (1). 1 of the submissions does not count toward it. Last evaluated 2025-10-06.

Conditions:
VIM-related disorder. Also called: VIM-related condition.
Cataract 30 (CTRCT30). Also called: CATARACT 30, PULVERULENT. Identifiers: Orphanet 91492, Orphanet 98984, Orphanet 98992, MedGen C3805411, MONDO:0007286, OMIM 116300.

Allele frequency attached by ClinVar (database versions not stated): gnomAD exomes 0.00009 and 0.00022; 1000 Genomes Project 30x 0.00094; TOPMed 0.00121; ExAC 0.00032; gnomAD 0.00104 and 0.00111; ESP Exome Variant Server 0.00092; 1000 Genomes Project 0.00080.
gnomAD v4.1: 304 of 1,614,226 alleles (0.019%); highest among the groups gnomAD compares: African/African-American, 0.36%; 2 homozygotes.

Submissions (2):

Labcorp Genetics (formerly Invitae), Labcorp
Classification: Likely benign for Cataract 30. Last evaluated: 2025-10-06. Review status: criteria provided, single submitter. Criteria: Invitae Variant Classification Sherloc (09022015). Collection method: clinical testing. Allele origin: germline.

PreventionGenetics, part of Exact Sciences
Classification: Likely benign for VIM-related condition. Last evaluated: 2020-02-18. Review status: no assertion criteria provided. Collection method: clinical testing. Allele origin: germline. Not counted in ClinVar's aggregate classification.
Comment: This variant is classified as likely benign based on ACMG/AMP sequence variant interpretation guidelines (Richards et al. 2015 PMID: 25741868, with internal and published modifications).